The following is an entry in ClinVar:

NM_001793.6(CDH3):c.2192G>A (p.Arg731His)

Gene: CDH3 (cadherin 3; plus strand). Cytogenetic location: 16q22.1.
Variant type: single nucleotide variant.
Coding change: c.2192G>A on transcript NM_001793.6 (MANE Select); coding-DNA position 2192, G replaced by A.
Protein change: p.Arg731His; replaces arginine 731 with histidine.
Molecular consequence: missense variant.
Genome position (GRCh38, 1-based): chr16:68,695,835, G>A. VCF-style: chr16-68695835-G-A. GRCh37 (hg19) VCF-style: chr16-68729738-G-A.
Other names: c.2192G>A, p.Arg731His (NM_001317195.3); c.2027G>A, p.Arg676His (NM_001317196.2); short protein forms R676H, R731H.
Identifiers: ClinVar variation 1058619 (VCV001058619.6), dbSNP rs773298688, ClinGen allele CA8129613.

ClinVar aggregate classification (germline): Uncertain significance. Review status: criteria provided, multiple submitters, no conflicts (2 of 4 stars). 2 submissions from 2 submitters: Uncertain significance (2). Last evaluated 2025-10-20.

Allele frequency attached by ClinVar (database versions not stated): ExAC 0.00001; TOPMed 0.00009.
gnomAD v4.1: 36 of 1,613,944 alleles (0.0022%); highest among the groups gnomAD compares: African/African-American, 0.011%; no homozygotes.

Submissions (2):

Labcorp Genetics (formerly Invitae), Labcorp
Classification: Uncertain significance. Last evaluated: 2025-10-20. Review status: criteria provided, single submitter. Criteria: Invitae Variant Classification Sherloc (09022015). Collection method: clinical testing. Allele origin: germline.
Comment: This sequence change replaces arginine with histidine at codon 731 of the CDH3 protein (p.Arg731His). The arginine residue is highly conserved and there is a small physicochemical difference between arginine and histidine. This variant is present in population databases (rs773298688, gnomAD 0.02%). This variant has not been reported in the literature in individuals affected with CDH3-related conditions. ClinVar contains an entry for this variant (Variation ID: 1058619). Invitae Evidence Modeling of protein sequence and biophysical properties (such as structural, functional, and spatial information, amino acid conservation, physicochemical variation, residue mobility, and thermodynamic stability) indicates that this missense variant is not expected to disrupt CDH3 protein function with a negative predictive value of 80%. In summary, the available evidence is currently insufficient to determine the role of this variant in disease. Therefore, it has been classified as a Variant of Uncertain Significance.

Blueprint Genetics
Classification: Uncertain significance. Last evaluated: 2022-10-24. Review status: criteria provided, single submitter. Criteria: ACMG Guidelines, 2015. Collection method: clinical testing. Allele origin: germline.